The following is an entry in ClinVar:

NM_002738.7(PRKCB):c.606C>T (p.Pro202=)

Gene: PRKCB (protein kinase C beta; plus strand). Cytogenetic location: 16p12.2.
Variant type: single nucleotide variant.
Coding change: c.606C>T on transcript NM_002738.7 (MANE Select); coding-DNA position 606, C replaced by T.
Protein change: p.Pro202=; no amino-acid change (proline 202 retained).
Molecular consequence: synonymous variant.
Genome position (GRCh38, 1-based): chr16:24,092,867, C>T. VCF-style: chr16-24092867-C-T. GRCh37 (hg19) VCF-style: chr16-24104188-C-T.
Other names: c.606C>T, p.Pro202= (NM_212535.3).
Identifiers: ClinVar variation 3055721 (VCV003055721.2), dbSNP rs3729896, ClinGen allele CA7966263.

ClinVar aggregate classification (germline): Benign (0 of 4 stars; one submission).

Conditions:
PRKCB-related disorder. Also called: PRKCB-related condition.

Allele frequency attached by ClinVar (database versions not stated): ESP Exome Variant Server 0.03494; TOPMed 0.03501; gnomAD 0.03613; gnomAD exomes 0.04040; ExAC 0.04310; 1000 Genomes Project 30x 0.06027; 1000 Genomes Project 0.06070.
gnomAD v4.1: 64,717 of 1,614,006 alleles (4%); highest among the groups gnomAD compares: East Asian, 9%; 1,490 homozygotes.

Submission:

PreventionGenetics, part of Exact Sciences
Classification: Benign for PRKCB-related condition. Last evaluated: 2019-09-04. Review status: no assertion criteria provided. Collection method: clinical testing. Allele origin: germline.
Comment: This variant is classified as benign based on ACMG/AMP sequence variant interpretation guidelines (Richards et al. 2015 PMID: 25741868, with internal and published modifications).